The following is an entry in ClinVar:

ClinVar aggregate classification (germline): Likely benign. Review status: criteria provided, multiple submitters, no conflicts (2 of 4 stars). 2 submissions from 2 submitters: Likely benign (2). Last evaluated 2018-06-14.

Allele frequency attached by ClinVar (database versions not stated): 1000 Genomes Project 30x 0.00265; 1000 Genomes Project 0.00319; TOPMed 0.00635; gnomAD 0.00667 and 0.00669; gnomAD exomes 0.00842.
gnomAD v4.1: 5,460 of 685,496 alleles (0.8%); highest among the groups gnomAD compares: Non-Finnish European, 0.99%; 47 homozygotes.

Submissions (2):

GeneDx
Classification: Likely benign. Last evaluated: 2018-06-14. Review status: criteria provided, single submitter. Criteria: GeneDx Variant Classification (06012015). Collection method: clinical testing. Allele origin: germline. Affected: yes.
Comment: This variant is considered likely benign or benign based on one or more of the following criteria: it is a conservative change, it occurs at a poorly conserved position in the protein, it is predicted to be benign by multiple in silico algorithms, and/or has population frequency not consistent with disease.

Breakthrough Genomics
Classification: Likely benign. Review status: criteria provided, single submitter. Criteria: ACMG Guidelines, 2015. Collection method: not provided. Allele origin: germline. Inheritance: Autosomal dominant inheritance. Affected: yes.

NM_022455.5(NSD1):c.4497+141A>G

Gene: NSD1 (nuclear receptor binding SET domain protein 1; plus strand). Cytogenetic location: 5q35.3.
Variant type: single nucleotide variant.
Coding change: c.4497+141A>G on transcript NM_022455.5 (MANE Select); 141 bases into the intron after coding-DNA position 4497, A replaced by G.
Molecular consequence: intron variant.
Genome position (GRCh38, 1-based): chr5:177,246,937, A>G. VCF-style: chr5-177246937-A-G. GRCh37 (hg19) VCF-style: chr5-176673938-A-G.
Other names: c.4497+141A>G (NM_001409301.1, NM_001409302.1, NM_001409303.1); c.4077+141A>G (NM_001409304.1); c.3744+141A>G (NM_001409305.1); c.3624+141A>G (NM_001409306.1, NM_001409308.1, NM_001409307.1 and 3 more transcripts).
Identifiers: ClinVar variation 670797 (VCV000670797.2), dbSNP rs71601347, ClinGen allele CA132859788.